The following is an entry in ClinVar:

NM_001382.4(DPAGT1):c.700A>G (p.Thr234Ala)

Gene: DPAGT1 (dolichyl-phosphate N-acetylglucosaminephosphotransferase 1; minus strand). Cytogenetic location: 11q23.3.
Variant type: single nucleotide variant.
Coding change: c.700A>G on transcript NM_001382.4 (MANE Select); coding-DNA position 700, A replaced by G.
Protein change: p.Thr234Ala; replaces threonine 234 with alanine.
Molecular consequence: missense variant.
Genome position (GRCh38, 1-based): chr11:119,098,431, T>C on the plus strand (A>G on the coding strand, the complement: DPAGT1 is on the minus strand). VCF-style: chr11-119098431-T-C. GRCh37 (hg19) VCF-style: chr11-118969141-T-C.
Other names: short protein forms T234A.
Identifiers: ClinVar variation 1383135 (VCV001383135.6), dbSNP rs2134903441, ClinGen allele CA382911714.

ClinVar aggregate classification (germline): Uncertain significance (1 of 4 stars; one submission).

Conditions:
Congenital myasthenic syndrome 13 (CMS13). Also called: Myasthenic syndrome, congenital, with tubular aggregates 2; Myasthenic syndrome, congenital, 13, with tubular aggregates. Identifiers: Orphanet 353327, Orphanet 590, MedGen C3553645, MONDO:0013883, OMIM 614750.
DPAGT1-congenital disorder of glycosylation. Also called: CONGENITAL DISORDER OF GLYCOSYLATION, TYPE Ij; DPAGT1-CDG; CDG Ij. Identifiers: Orphanet 86309, MedGen C2931004, MONDO:0011964, OMIM 608093.

Submission:

Labcorp Genetics (formerly Invitae), Labcorp
Classification: Uncertain significance for Congenital myasthenic syndrome 13; DPAGT1-congenital disorder of glycosylation. Last evaluated: 2022-09-26. Review status: criteria provided, single submitter. Criteria: Invitae Variant Classification Sherloc (09022015). Collection method: clinical testing. Allele origin: germline.
Comment: This sequence change replaces threonine, which is neutral and polar, with alanine, which is neutral and non-polar, at codon 234 of the DPAGT1 protein (p.Thr234Ala). This variant is not present in population databases (gnomAD no frequency). This variant has not been reported in the literature in individuals affected with DPAGT1-related conditions. ClinVar contains an entry for this variant (Variation ID: 1383135). Advanced modeling of protein sequence and biophysical properties (such as structural, functional, and spatial information, amino acid conservation, physicochemical variation, residue mobility, and thermodynamic stability) performed at Invitae indicates that this missense variant is not expected to disrupt DPAGT1 protein function. In summary, the available evidence is currently insufficient to determine the role of this variant in disease. Therefore, it has been classified as a Variant of Uncertain Significance.